The following is an entry in ClinVar:

NM_201253.3(CRB1):c.138del (p.Asp47fs)

Gene: CRB1 (crumbs cell polarity complex component 1; plus strand). Cytogenetic location: 1q31.3.
Variant type: Deletion.
Coding change: c.138del on transcript NM_201253.3 (MANE Select); coding-DNA position 138, one base deleted (A; older notation c.138delA).
Protein change: p.Asp47fs; shifts the reading frame from aspartic acid 47.
Molecular consequence: frameshift variant. On other transcripts: 5 prime UTR variant (1), non-coding transcript variant (2).
Genome position (GRCh38, 1-based): chr1:197,328,489, A deleted; the last of 3 consecutive A bases (chr1:197,328,487-197,328,489); deleting any one gives the same sequence. VCF-style (leftmost placement, unchanged base first): chr1-197328486-CA-C. GRCh37 (hg19) VCF-style: chr1-197297616-CA-C.
Other names: c.138del, p.Asp47fs (NM_001193640.2, NM_001257966.2); c.-70del (NM_001257965.2); short protein forms D47fs.
Identifiers: ClinVar variation 2202906 (VCV002202906.5), dbSNP rs2465025258, ClinGen allele CA2580061808.
Genomic context (GRCh38, chr1:197,328,486, plus strand): 5'-CTTTTGCAATAAAAACAACACCAGGTGCCTCTCAAATTCTTGCCAAAACAATTCTACATG[CA>C]AAGATTTTTCAAAAGACAATGATTGTTCTTGTTCAGACACAGCCAATAATTTGGACAAAG-3'

ClinVar aggregate classification (germline): Pathogenic. Review status: criteria provided, multiple submitters, no conflicts (2 of 4 stars). 2 submissions from 2 submitters: Pathogenic (2). Last evaluated 2023-11-27.

Conditions:
Leber congenital amaurosis 8 (LCA8). Identifiers: Orphanet 65, MedGen C3151202, MONDO:0013453, OMIM 613835.
Retinitis pigmentosa 12 (RP12). Also called: RP WITH OR WITHOUT PRESERVED PARAARTERIOLE RETINAL PIGMENT EPITHELIUM; RETINITIS PIGMENTOSA WITH OR WITHOUT PARAARTERIOLAR PRESERVATION OF RETINAL PIGMENT EPITHELIUM; RP WITH OR WITHOUT PPRPE. Identifiers: Orphanet 791, MedGen C1838647, MONDO:0010818, OMIM 600105.

Submissions (2):

Baylor Genetics
Classification: Pathogenic for Leber congenital amaurosis 8. Last evaluated: 2023-11-27. Review status: criteria provided, single submitter. Criteria: ACMG Guidelines, 2015. Collection method: clinical testing. Allele origin: unknown.

Labcorp Genetics (formerly Invitae), Labcorp
Classification: Pathogenic for Leber congenital amaurosis 8; Retinitis pigmentosa 12. Last evaluated: 2022-01-05. Review status: criteria provided, single submitter. Criteria: Invitae Variant Classification Sherloc (09022015). Collection method: clinical testing. Allele origin: germline.
Comment: This sequence change creates a premature translational stop signal (p.Asp47Ilefs*24) in the CRB1 gene. It is expected to result in an absent or disrupted protein product. Loss-of-function variants in CRB1 are known to be pathogenic (PMID: 10508521, 22065545, 23379534, 25412400, 26957898, 28041643, 29391521). For these reasons, this variant has been classified as Pathogenic. This premature translational stop signal has been observed in individuals with inherited retinal dystrophy (PMID: 24535598, 27806333). It has also been observed to segregate with disease in related individuals. This variant is not present in population databases (gnomAD no frequency).

Literature cited by the submitters: PubMed 10508521 (cited by Labcorp Genetics (formerly Invitae), Labcorp); PubMed 22065545 (cited by Labcorp Genetics (formerly Invitae), Labcorp); PubMed 23379534 (cited by Labcorp Genetics (formerly Invitae), Labcorp); PubMed 25412400 (cited by Labcorp Genetics (formerly Invitae), Labcorp); PubMed 26957898 (cited by Labcorp Genetics (formerly Invitae), Labcorp); PubMed 28041643 (cited by Labcorp Genetics (formerly Invitae), Labcorp); PubMed 29391521 (cited by Labcorp Genetics (formerly Invitae), Labcorp); PubMed 24535598 (cited by Labcorp Genetics (formerly Invitae), Labcorp); PubMed 27806333 (cited by Labcorp Genetics (formerly Invitae), Labcorp).